The following is an entry in ClinVar:

ClinVar aggregate classification (germline): Uncertain significance (1 of 4 stars; one submission).

Conditions:
Febrile seizures, familial, 8 (FEB8). Also called: CONVULSIONS, FAMILIAL FEBRILE, 8. Identifiers: Orphanet 36387, MedGen C1969810, MONDO:0011891, OMIM 607681.
EPILEPSY, CHILDHOOD ABSENCE, SUSCEPTIBILITY TO, 2 (ECA2). Identifiers: Orphanet 64280, MedGen C1843244, OMIM 607681.

Submission:

Labcorp Genetics (formerly Invitae), Labcorp
Classification: Uncertain significance for Febrile seizures, familial, 8; EPILEPSY, CHILDHOOD ABSENCE, SUSCEPTIBILITY TO, 2. Last evaluated: 2025-06-18. Review status: criteria provided, single submitter. Criteria: Invitae Variant Classification Sherloc (09022015). Collection method: clinical testing. Allele origin: germline.
Comment: This sequence change replaces alanine, which is neutral and non-polar, with valine, which is neutral and non-polar, at codon 158 of the GABRG2 protein (p.Ala158Val). This variant is not present in population databases (gnomAD no frequency). This variant has not been reported in the literature in individuals affected with GABRG2-related conditions. Invitae Evidence Modeling of protein sequence and biophysical properties (such as structural, functional, and spatial information, amino acid conservation, physicochemical variation, residue mobility, and thermodynamic stability) indicates that this missense variant is expected to disrupt GABRG2 protein function with a positive predictive value of 95%. In summary, the available evidence is currently insufficient to determine the role of this variant in disease. Therefore, it has been classified as a Variant of Uncertain Significance.

NM_198904.4(GABRG2):c.473C>T (p.Ala158Val)

Gene: GABRG2 (gamma-aminobutyric acid type A receptor subunit gamma2; plus strand). Cytogenetic location: 5q34.
Variant type: single nucleotide variant.
Coding change: c.473C>T on transcript NM_198904.4 (MANE Select); coding-DNA position 473, C replaced by T.
Protein change: p.Ala158Val; replaces alanine 158 with valine.
Molecular consequence: missense variant.
Genome position (GRCh38, 1-based): chr5:162,097,783, C>T. VCF-style: chr5-162097783-C-T. GRCh37 (hg19) VCF-style: chr5-161524789-C-T.
Other names: c.473C>T, p.Ala158Val (NM_000816.3, NM_001375340.1, NM_001375341.1 and 4 more transcripts); c.464C>T, p.Ala155Val (NM_001375339.1); c.407C>T, p.Ala136Val (NM_001375345.1, NM_001375346.1); c.386C>T, p.Ala129Val (NM_001375347.1); c.53C>T, p.Ala18Val (NM_001375348.1, NM_001375350.1); c.188C>T, p.Ala63Val (NM_001375349.1); short protein forms A136V, A18V, A129V, A155V, A63V, A158V.
Identifiers: ClinVar variation 4789500 (VCV004789500.1).
Genomic context (GRCh38, chr5:162,097,783, plus strand): 5'-ACAGCAACATGGTGGGGAAAATCTGGATTCCAGACACTTTCTTCAGAAATTCCAAAAAAG[C>T]TGATGCACACTGGATCACCACCCCCAACAGGATGCTGAGAATTTGGAATGATGGTCGAGT-3'
Protein context (NP_944494.1, residues 148-168): PDTFFRNSKK[Ala158Val]DAHWITTPNR